The following is an entry in ClinVar:

NM_000284.4(PDHA1):c.*322G>A

Gene: PDHA1 (pyruvate dehydrogenase E1 subunit alpha 1; plus strand). Cytogenetic location: Xp22.12.
Variant type: single nucleotide variant.
Coding change: c.*322G>A on transcript NM_000284.4 (MANE Select); 322 bases downstream of the stop codon, G replaced by A.
Molecular consequence: 3 prime UTR variant.
Genome position (GRCh38, 1-based): chrX:19,359,975, G>A. VCF-style: chrX-19359975-G-A. GRCh37 (hg19) VCF-style: chrX-19378093-G-A.
Other names: c.*322G>A (NM_001173454.2, NM_001173455.2, NM_001173456.2).
Identifiers: ClinVar variation 913339 (VCV000913339.5), dbSNP rs1042450, ClinGen allele CA327031748.

ClinVar aggregate classification (germline): Benign. Review status: criteria provided, multiple submitters, no conflicts (2 of 4 stars). 2 submissions from 2 submitters: Benign (2). Last evaluated 2018-01-13.

Conditions:
Pyruvate dehydrogenase E1-alpha deficiency (PDHAD). Also called: ATAXIA, INTERMITTENT, WITH PYRUVATE DEHYDROGENASE DEFICIENCY; ATAXIA WITH LACTIC ACIDOSIS I; ATAXIA, INTERMITTENT, WITH ABNORMAL PYRUVATE METABOLISM; Ataxia, intermittent, with pyruvate dehydrogenase, or decarboxylase, deficiency. Identifiers: Orphanet 79243, MedGen C1839413, MONDO:0010717, OMIM 312170.

Allele frequency attached by ClinVar (database versions not stated): gnomAD 0.21584 and 0.22629; TOPMed 0.24305; 1000 Genomes Project 0.24689; 1000 Genomes Project 30x 0.25515.
gnomAD v4.1: 38,854 of 300,023 alleles (13%); highest among the groups gnomAD compares: African/African-American, 65%; 6,259 homozygotes.

Submissions (2):

Illumina Laboratory Services, Illumina
Classification: Benign for Pyruvate dehydrogenase E1-alpha deficiency. Last evaluated: 2018-01-13. Review status: criteria provided, single submitter. Criteria: ICSL Variant Classification Criteria 13 December 2019. Collection method: clinical testing. Allele origin: germline.
Comment: This variant was observed in the ICSL laboratory as part of a predisposition screen in an ostensibly healthy population. It had not been previously curated by ICSL or reported in the Human Gene Mutation Database (HGMD: prior to June 1st, 2018), and was therefore a candidate for classification through an automated scoring system. Utilizing variant allele frequency, disease prevalence and penetrance estimates, and inheritance mode, an automated score was calculated to assess if this variant is too frequent to cause the disease. Based on the score and internal cut-off values, a variant classified as benign is not then subjected to further curation. The score for this variant resulted in a classification of benign for this disease.

Breakthrough Genomics
Classification: Benign. Review status: criteria provided, single submitter. Criteria: ACMG Guidelines, 2015. Collection method: not provided. Allele origin: germline. Inheritance: X-linked inheritance. Affected: yes.